The following is an entry in ClinVar:

NC_000006.11:g.(?_42672083)_(42672369_?)dup

Gene: PRPH2 (peripherin 2; minus strand). Cytogenetic location: 6p21.1.
Variant type: Duplication.
Identifiers: ClinVar variation 2422888 (VCV002422888.3).

ClinVar aggregate classification (germline): Likely pathogenic (1 of 4 stars; one submission).

Conditions:
PRPH2-related disorder. Also called: PRPH2-related condition; PRPH2-related disorders. Identifiers: MedGen CN239395.

Submission:

Labcorp Genetics (formerly Invitae), Labcorp
Classification: Likely pathogenic for PRPH2-related disorder. Last evaluated: 2021-11-23. Review status: criteria provided, single submitter. Criteria: Invitae Variant Classification Sherloc (09022015). Collection method: clinical testing. Allele origin: germline.
Comment: In summary, the currently available evidence indicates that the variant is pathogenic, but additional data are needed to prove that conclusively. Therefore, this variant has been classified as Likely Pathogenic. This variant has not been reported in the literature in individuals affected with PRPH2-related conditions. This variant results in a copy number gain of the genomic region encompassing exon(s) 2 of the PRPH2 gene. While the exact position of this variant cannot be determined from the data, sub-genic copy number gains are generally in tandem (PMID: 25640679). This variant is predicted to be out-of-frame, and may result in an absent or disrupted protein product. Loss-of-function variants in PRPH2 are known to be pathogenic (PMID: 8111389, 8485575, 8485576, 8675410, 16916875, 17504850, 25675413, 26061163, 27365499, 29555955).

Literature cited by the submitters: PubMed 25640679; PubMed 8111389; PubMed 8485575; PubMed 8485576; PubMed 8675410; PubMed 16916875; PubMed 17504850; PubMed 25675413; PubMed 26061163; PubMed 27365499; PubMed 29555955.